The following is an entry in ClinVar:

ClinVar aggregate classification (germline): Uncertain significance (1 of 4 stars; one submission).

Conditions:
Hyperprolinemia type 2 (HYRPRO2). Also called: 1-PYRROLINE-5-CARBOXYLATE DEHYDROGENASE DEFICIENCY; Delta-1-pyrroline-5-carboxylate dehydrogenase deficiency; Deficiency of pyrroline-5-carboxylate reductase. Identifiers: Orphanet 79101, MedGen C2931835, MONDO:0009401, OMIM 239510.

Allele frequency attached by ClinVar (database versions not stated): gnomAD exomes below 0.00001.
gnomAD v4.1: 1 of 1,613,464 alleles (0.000062%); highest among the groups gnomAD compares: Non-Finnish European, 0.000085%; no homozygotes.

Submission:

Labcorp Genetics (formerly Invitae), Labcorp
Classification: Uncertain significance for Hyperprolinemia type 2. Last evaluated: 2022-03-12. Review status: criteria provided, single submitter. Criteria: Invitae Variant Classification Sherloc (09022015). Collection method: clinical testing. Allele origin: germline.
Comment: In summary, the available evidence is currently insufficient to determine the role of this variant in disease. Therefore, it has been classified as a Variant of Uncertain Significance. Algorithms developed to predict the effect of missense changes on protein structure and function (SIFT, PolyPhen-2, Align-GVGD) all suggest that this variant is likely to be tolerated. This variant has not been reported in the literature in individuals affected with ALDH4A1-related conditions. This variant is not present in population databases (gnomAD no frequency). This sequence change replaces phenylalanine, which is neutral and non-polar, with leucine, which is neutral and non-polar, at codon 172 of the ALDH4A1 protein (p.Phe172Leu).

NM_003748.4(ALDH4A1):c.514T>C (p.Phe172Leu)

Gene: ALDH4A1 (aldehyde dehydrogenase 4 family member A1; minus strand). Cytogenetic location: 1p36.13.
Variant type: single nucleotide variant.
Coding change: c.514T>C on transcript NM_003748.4 (MANE Select); coding-DNA position 514, T replaced by C.
Protein change: p.Phe172Leu; replaces phenylalanine 172 with leucine.
Molecular consequence: missense variant.
Genome position (GRCh38, 1-based): chr1:18,883,368, A>G on the plus strand (T>C on the coding strand, the complement: ALDH4A1 is on the minus strand). VCF-style: chr1-18883368-A-G. GRCh37 (hg19) VCF-style: chr1-19209862-A-G.
Other names: c.334T>C, p.Phe112Leu (NM_001161504.2); c.514T>C, p.Phe172Leu (NM_001319218.2, NM_170726.3); short protein forms F172L, F112L.
Identifiers: ClinVar variation 2110375 (VCV002110375.4), dbSNP rs2522586620, ClinGen allele CA338758222.